The following is an entry in ClinVar:

ClinVar aggregate classification (germline): Uncertain significance. Review status: criteria provided, multiple submitters, no conflicts (2 of 4 stars). 5 submissions from 5 submitters: Uncertain significance (5). Last evaluated 2026-07-01.

Conditions:
Aortic aneurysm, familial thoracic 6 (AAT6). Also called: FAMILIAL THORACIC AORTIC ANEURYSM WITH LIVEDO RETICULARIS AND IRIS FLOCCULI. Identifiers: MedGen C2673186, MONDO:0012730, OMIM 611788.
Familial thoracic aortic aneurysm and aortic dissection (TAAD). Also called: Thoracic aortic aneurysms and dissections. Identifiers: Orphanet 91387, MedGen C4707243, MONDO:0019625.

Allele frequency attached by ClinVar (database versions not stated): gnomAD 0.00001; gnomAD exomes 0.00001; TOPMed 0.00003; ExAC 0.00001.
gnomAD v4.1: 6 of 1,613,870 alleles (0.00037%); highest among the groups gnomAD compares: Admixed American, 0.0067%; no homozygotes.

Submissions (5):

Ambry Genetics
Classification: Uncertain significance for Familial thoracic aortic aneurysm and aortic dissection. Last evaluated: 2026-07-01. Review status: criteria provided, single submitter. Criteria: Ambry Variant Classification Scheme 2023. Collection method: clinical testing. Allele origin: germline.
Comment: The p.A321G variant (also known as c.962C>G), located in coding exon 7 of the ACTA2 gene, results from a C to G substitution at nucleotide position 962. The alanine at codon 321 is replaced by glycine, an amino acid with similar properties. This amino acid position is conserved. In addition, the in silico prediction for this alteration is inconclusive. Based on the available evidence, the clinical significance of this variant remains unclear.

Labcorp Genetics (formerly Invitae), Labcorp
Classification: Uncertain significance for Aortic aneurysm, familial thoracic 6. Last evaluated: 2025-10-22. Review status: criteria provided, single submitter. Criteria: Invitae Variant Classification Sherloc (09022015). Collection method: clinical testing. Allele origin: germline.
Comment: This sequence change replaces alanine, which is neutral and non-polar, with glycine, which is neutral and non-polar, at codon 321 of the ACTA2 protein (p.Ala321Gly). This variant is present in population databases (rs767223356, gnomAD 0.01%). This variant has not been reported in the literature in individuals affected with ACTA2-related conditions. ClinVar contains an entry for this variant (Variation ID: 2151008). Invitae Evidence Modeling of protein sequence and biophysical properties (such as structural, functional, and spatial information, amino acid conservation, physicochemical variation, residue mobility, and thermodynamic stability) indicates that this missense variant is not expected to disrupt ACTA2 protein function with a negative predictive value of 80%. In summary, the available evidence is currently insufficient to determine the role of this variant in disease. Therefore, it has been classified as a Variant of Uncertain Significance.

Color Diagnostics, LLC DBA Color Health
Classification: Uncertain significance for Familial thoracic aortic aneurysm and aortic dissection. Last evaluated: 2025-03-24. Review status: criteria provided, single submitter. Criteria: ACMG Guidelines, 2015. Collection method: clinical testing. Allele origin: germline.
Comment: This missense variant replaces alanine with glycine at codon 321 of the ACTA2 protein. Computational prediction is inconclusive regarding the impact of this variant on protein structure and function (internally defined REVEL score threshold 0.5 < inconclusive < 0.7, PMID: 27666373). To our knowledge, functional studies have not been reported for this variant. This variant has not been reported in individuals affected with ACTA2-related disorders in the literature. This variant has been identified in 5/282330 chromosomes in the general population by the Genome Aggregation Database (gnomAD). The available evidence is insufficient to determine the role of this variant in disease conclusively. Therefore, this variant is classified as a Variant of Uncertain Significance.

All of Us Research Program, National Institutes of Health
Classification: Uncertain significance for Familial thoracic aortic aneurysm and aortic dissection. Last evaluated: 2024-06-17. Review status: criteria provided, single submitter. Criteria: ACMG Guidelines, 2015. Collection method: clinical testing. Allele origin: germline. Inheritance: Autosomal dominant inheritance. Observed: 6 variant alleles, 6 heterozygotes.
Comment: This missense variant replaces alanine with glycine at codon 321 of the ACTA2 protein. Computational prediction is inconclusive regarding the impact of this variant on protein structure and function (internally defined REVEL score threshold 0.5 < inconclusive < 0.7, PMID: 27666373). To our knowledge, functional studies have not been reported for this variant. This variant has not been reported in individuals affected with cardiovascular disorders in the literature. This variant has been identified in 5/282330 chromosomes in the general population by the Genome Aggregation Database (gnomAD). The available evidence is insufficient to determine the role of this variant in disease conclusively. Therefore, this variant is classified as a Variant of Uncertain Significance.

This study involves interpretation of variants in research participants for the purpose of population health screening. Participant phenotype was not available at the time of variant classification. Additional details can be found in publication PMID: 35346344, PMCID: PMC8962531

GeneDx
Classification: Uncertain significance. Last evaluated: 2024-05-01. Review status: criteria provided, single submitter. Criteria: GeneDx Variant Classification Process June 2021. Collection method: clinical testing. Allele origin: germline. Affected: yes.
Comment: Has not been previously published as pathogenic or benign to our knowledge; Not observed at significant frequency in large population cohorts (gnomAD); In silico analysis indicates that this missense variant does not alter protein structure/function

NM_001613.4(ACTA2):c.962C>G (p.Ala321Gly)

Genes: ACTA2 (actin alpha 2, smooth muscle; minus strand), ACTA2-AS1 (ACTA2 antisense RNA 1; plus strand). Cytogenetic location: 10q23.31.
Variant type: single nucleotide variant.
Coding change: c.962C>G on transcript NM_001613.4 (MANE Select); coding-DNA position 962, C replaced by G.
Protein change: p.Ala321Gly; replaces alanine 321 with glycine.
Molecular consequence: missense variant.
Genome position (GRCh38, 1-based): chr10:88,938,089, G>C on the plus strand (C>G on the coding strand, the complement: ACTA2 is on the minus strand). VCF-style: chr10-88938089-G-C. GRCh37 (hg19) VCF-style: chr10-90697846-G-C.
Other names: c.833C>G, p.Ala278Gly (NM_001406469.1, NM_001406467.1, NM_001406468.1); c.770C>G, p.Ala257Gly (NM_001406471.1); c.962C>G, p.Ala321Gly (NM_001141945.3, NM_001320855.2, NM_001406462.1 and 2 more transcripts); c.851C>G, p.Ala284Gly (NM_001406466.1); short protein forms A321G, A257G, A278G, A284G.
Identifiers: ClinVar variation 2151008 (VCV002151008.10), dbSNP rs767223356, ClinGen allele CA030090.